The following is an entry in ClinVar:

ClinVar aggregate classification (germline): Uncertain significance. Review status: criteria provided, multiple submitters, no conflicts (2 of 4 stars). 2 submissions from 2 submitters: Uncertain significance (2). Last evaluated 2025-07-29.

Conditions:
Deafness-lymphedema-leukemia syndrome. Also called: Emberger syndrome; Lymphedema, primary, with myelodysplasia. Identifiers: Orphanet 3226, MedGen C3279664, MONDO:0013540, OMIM 614038.
Monocytopenia with susceptibility to infections. Also called: MONOCYTOPENIA AND MYCOBACTERIAL INFECTION SYNDROME; MONOCYTOPENIA WITH SUSCEPTIBILITY TO MYCOBACTERIAL, FUNGAL, AND PAPILLOMAVIRUS INFECTIONS AND MYELODYSPLASIA; IMMUNODEFICIENCY 21; GATA2 DEFICIENCY; COMBINED IMMUNODEFICIENCY WITH SUSCEPTIBILITY TO MYCOBACTERIAL, VIRAL, AND FUNGAL INFECTIONS; Dendritic cell, monocyte, B lymphocyte, and natural killer lymphocyte deficiency. Identifiers: Orphanet 228423, MedGen C3280030, MONDO:0013607, OMIM 614172.
Inborn genetic diseases. Identifiers: MedGen C0950123, MeSH D030342.

Allele frequency attached by ClinVar (database versions not stated): gnomAD exomes below 0.00001.
gnomAD v4.1: 4 of 1,614,210 alleles (0.00025%); highest among the groups gnomAD compares: Non-Finnish European, 0.00034%; no homozygotes.

Submissions (2):

Ambry Genetics
Classification: Uncertain significance for Inborn genetic diseases. Last evaluated: 2025-07-29. Review status: criteria provided, single submitter. Criteria: Ambry Variant Classification Scheme 2023. Collection method: clinical testing. Allele origin: germline.
Comment: The p.P427A variant (also known as c.1279C>G), located in coding exon 5 of the GATA2 gene, results from a C to G substitution at nucleotide position 1279. The proline at codon 427 is replaced by alanine, an amino acid with highly similar properties. This amino acid position is conserved. In addition, the in silico prediction for this alteration is inconclusive. Based on the available evidence, the clinical significance of this variant remains unclear.

Labcorp Genetics (formerly Invitae), Labcorp
Classification: Uncertain significance for Monocytopenia with susceptibility to infections; Deafness-lymphedema-leukemia syndrome. Last evaluated: 2021-03-24. Review status: criteria provided, single submitter. Criteria: Invitae Variant Classification Sherloc (09022015). Collection method: clinical testing. Allele origin: germline.
Comment: In summary, the available evidence is currently insufficient to determine the role of this variant in disease. Therefore, it has been classified as a Variant of Uncertain Significance. Algorithms developed to predict the effect of missense changes on protein structure and function are either unavailable or do not agree on the potential impact of this missense change (SIFT: "Tolerated"; PolyPhen-2: "Probably Damaging"; Align-GVGD: "Class C0"). This variant has not been reported in the literature in individuals with GATA2-related conditions. This variant is not present in population databases (ExAC no frequency). This sequence change replaces proline with alanine at codon 427 of the GATA2 protein (p.Pro427Ala). The proline residue is moderately conserved and there is a small physicochemical difference between proline and alanine.

NM_032638.5(GATA2):c.1279C>G (p.Pro427Ala)

Gene: GATA2 (GATA binding protein 2; minus strand). Cytogenetic location: 3q21.3.
Variant type: single nucleotide variant.
Coding change: c.1279C>G on transcript NM_032638.5 (MANE Select); coding-DNA position 1279, C replaced by G.
Protein change: p.Pro427Ala; replaces proline 427 with alanine.
Molecular consequence: missense variant.
Genome position (GRCh38, 1-based): chr3:128,481,183, G>C on the plus strand (C>G on the coding strand, the complement: GATA2 is on the minus strand). VCF-style: chr3-128481183-G-C. GRCh37 (hg19) VCF-style: chr3-128200026-G-C.
Other names: c.1279C>G, p.Pro427Ala (NM_001145661.2); c.1237C>G, p.Pro413Ala (NM_001145662.1); c.1279C>G (NM_032638.4); short protein forms P427A, P413A.
Identifiers: ClinVar variation 1381289 (VCV001381289.9), dbSNP rs2107667917, ClinGen allele CA354412881.